The following is an entry in ClinVar:

NC_000001.10:g.(?_155112418)_(155112826_?)del

Gene: DPM3 (dolichyl-phosphate mannosyltransferase subunit 3, regulatory; minus strand). Cytogenetic location: 1q22.
Variant type: Deletion.
Identifiers: ClinVar variation 3247791 (VCV003247791.1).

ClinVar aggregate classification (germline): Pathogenic (1 of 4 stars; one submission).

Conditions:
DPM3-congenital disorder of glycosylation (MDDGC15). Also called: MUSCULAR DYSTROPHY-DYSTROGLYCANOPATHY (LIMB-GIRDLE), TYPE C, 15; DPM3-CDG; CDG Io; CDG1(DPM3). Identifiers: Orphanet 263494, MedGen C2752007, MONDO:0013049, OMIM 612937.

Submission:

Labcorp Genetics (formerly Invitae), Labcorp
Classification: Pathogenic for DPM3-congenital disorder of glycosylation. Last evaluated: 2023-10-16. Review status: criteria provided, single submitter. Criteria: Invitae Variant Classification Sherloc (09022015). Collection method: clinical testing. Allele origin: unknown.
Comment: A gross deletion of the genomic region encompassing the full coding sequence of the DPM3 gene has been identified. Loss-of-function variants in DPM3 are known to be pathogenic (PMID: 31266720). The boundaries of this event are unknown as they extend beyond the assayed region for this gene and therefore may encompass additional genes. This variant has not been reported in the literature in individuals affected with DPM3-related conditions. For these reasons, this variant has been classified as Pathogenic.

Literature cited by the submitters: PubMed 31266720.